The following is an entry in ClinVar:

ClinVar aggregate classification (germline): Uncertain significance (1 of 4 stars; one submission).

Conditions:
Myoclonic epilepsy, juvenile, susceptibility to, 1. Also called: Myoclonic Epilepsy, Juvenile, 1; EJM1. Identifiers: MedGen C1850778, MONDO:0020752, OMIM 254770.
Absence seizure. Also called: Absence epilepsy. Identifiers: Orphanet 1941, MedGen C0014553.

gnomAD v4.1: 3 of 1,614,096 alleles (0.00019%); highest among the groups gnomAD compares: African/African-American, 0.0027%; 1 homozygote.

Submission:

Labcorp Genetics (formerly Invitae), Labcorp
Classification: Uncertain significance for Myoclonic epilepsy, juvenile, susceptibility to, 1; Absence seizure. Last evaluated: 2022-08-10. Review status: criteria provided, single submitter. Criteria: Invitae Variant Classification Sherloc (09022015). Collection method: clinical testing. Allele origin: germline.
Comment: In summary, the available evidence is currently insufficient to determine the role of this variant in disease. Therefore, it has been classified as a Variant of Uncertain Significance. Algorithms developed to predict the effect of missense changes on protein structure and function output the following: SIFT: "Deleterious"; PolyPhen-2: "Benign"; Align-GVGD: "Class C0". The proline amino acid residue is found in multiple mammalian species, which suggests that this missense change does not adversely affect protein function. ClinVar contains an entry for this variant (Variation ID: 411573). This variant has not been reported in the literature in individuals affected with EFHC1-related conditions. This variant is not present in population databases (gnomAD no frequency). This sequence change replaces arginine, which is basic and polar, with proline, which is neutral and non-polar, at codon 580 of the EFHC1 protein (p.Arg580Pro).

NM_018100.4(EFHC1):c.1739G>C (p.Arg580Pro)

Gene: EFHC1 (EF-hand domain containing 1; plus strand). Cytogenetic location: 6p12.2.
Variant type: single nucleotide variant.
Coding change: c.1739G>C on transcript NM_018100.4 (MANE Select); coding-DNA position 1739, G replaced by C.
Protein change: p.Arg580Pro; replaces arginine 580 with proline.
Molecular consequence: missense variant. On other transcripts: non-coding transcript variant (1).
Genome position (GRCh38, 1-based): chr6:52,490,238, G>C. VCF-style: chr6-52490238-G-C. GRCh37 (hg19) VCF-style: chr6-52355036-G-C.
Other names: c.1682G>C, p.Arg561Pro (NM_001172420.2); short protein forms R580P, R561P.
Identifiers: ClinVar variation 411573 (VCV000411573.10), dbSNP rs752701116, ClinGen allele CA16612183.